The following is an entry in ClinVar:

ClinVar aggregate classification (germline): Benign/Likely benign. Review status: criteria provided, multiple submitters, no conflicts (2 of 4 stars). 4 submissions from 4 submitters: Benign (3); Likely benign (1). Last evaluated 2026-05-11.

Conditions:
Laron-type isolated somatotropin defect. Also called: GROWTH HORMONE RECEPTOR DEFICIENCY; Laron Syndrome; Growth hormone binding protein deficiency or dysfunction; Growth hormone receptor deficiency or dysfunction; Laron dwarfism; Laron type pituitary dwarfism I. Identifiers: Orphanet 633, MedGen C0271568, MONDO:0009877, OMIM 262500.

Allele frequency attached by ClinVar (database versions not stated): gnomAD exomes 0.00300; ExAC 0.00369; gnomAD 0.01100; TOPMed 0.01304; ESP Exome Variant Server 0.01385; 1000 Genomes Project 30x 0.01405; 1000 Genomes Project 0.01358.
gnomAD v4.1: 2,877 of 1,178,276 alleles (0.24%); highest among the groups gnomAD compares: African/African-American, 3.9%; 58 homozygotes.

Submissions (4):

Women's Health and Genetics/Laboratory Corporation of America, LabCorp
Classification: Likely benign. Last evaluated: 2026-05-11. Review status: criteria provided, single submitter. Criteria: LabCorp Variant Classification Summary - May 2015. Collection method: clinical testing. Allele origin: germline.

Labcorp Genetics (formerly Invitae), Labcorp
Classification: Benign. Last evaluated: 2026-02-03. Review status: criteria provided, single submitter. Criteria: Invitae Variant Classification Sherloc (09022015). Collection method: clinical testing. Allele origin: germline.

Illumina Laboratory Services, Illumina
Classification: Benign for Laron-type isolated somatotropin defect. Last evaluated: 2018-01-13. Review status: criteria provided, single submitter. Criteria: ICSL Variant Classification Criteria 13 December 2019. Collection method: clinical testing. Allele origin: germline.
Comment: This variant was observed in the ICSL laboratory as part of a predisposition screen in an ostensibly healthy population. It had not been previously curated by ICSL or reported in the Human Gene Mutation Database (HGMD: prior to June 1st, 2018), and was therefore a candidate for classification through an automated scoring system. Utilizing variant allele frequency, disease prevalence and penetrance estimates, and inheritance mode, an automated score was calculated to assess if this variant is too frequent to cause the disease. Based on the score and internal cut-off values, a variant classified as benign is not then subjected to further curation. The score for this variant resulted in a classification of benign for this disease.

PreventionGenetics, part of Exact Sciences
Classification: Benign. Review status: criteria provided, single submitter. Criteria: ACMG Guidelines, 2015. Collection method: clinical testing. Allele origin: germline.

NM_000163.5(GHR):c.785-9G>A

Gene: GHR (growth hormone receptor; plus strand). Cytogenetic location: 5p12.
Variant type: single nucleotide variant.
Coding change: c.785-9G>A on transcript NM_000163.5 (MANE Select); 9 bases into the intron before coding-DNA position 785, G replaced by A.
Molecular consequence: intron variant.
Genome position (GRCh38, 1-based): chr5:42,713,420, G>A. VCF-style: chr5-42713420-G-A. GRCh37 (hg19) VCF-style: chr5-42713522-G-A.
Other names: c.719-9G>A (NM_001242460.2); c.785-9G>A (NM_001242400.2, NM_001242401.4, NM_001242402.2 and 5 more transcripts); c.806-9G>A (NM_001242399.2).
Identifiers: ClinVar variation 255408 (VCV000255408.17), dbSNP rs34190075, ClinGen allele CA3254505.